The following is an entry in ClinVar:

NM_000038.6(APC):c.5733A>C (p.Gln1911His)

Gene: APC (APC regulator of Wnt signaling pathway; plus strand). Cytogenetic location: 5q22.2.
Variant type: single nucleotide variant.
Coding change: c.5733A>C on transcript NM_000038.6 (MANE Select); coding-DNA position 5733, A replaced by C.
Protein change: p.Gln1911His; replaces glutamine 1911 with histidine.
Molecular consequence: missense variant.
Genome position (GRCh38, 1-based): chr5:112,841,327, A>C. VCF-style: chr5-112841327-A-C. GRCh37 (hg19) VCF-style: chr5-112177024-A-C.
Other names: c.5733A>C, p.Gln1911His (NM_001127510.3, NM_001354895.2); c.5679A>C, p.Gln1893His (NM_001127511.3); c.5787A>C, p.Gln1929His (NM_001354896.2); c.5763A>C, p.Gln1921His (NM_001354897.2); c.5658A>C, p.Gln1886His (NM_001354898.2); c.5649A>C, p.Gln1883His (NM_001354899.2); c.5610A>C, p.Gln1870His (NM_001354900.2); c.5556A>C, p.Gln1852His (NM_001354901.2); and 5 more; short protein forms Q1893H, Q1911H, Q1852H, Q1883H, Q1921H, Q1751H, Q1820H, Q1870H.
Identifiers: ClinVar variation 537426 (VCV000537426.20), dbSNP rs1554086927, ClinGen allele CA16033882.

ClinVar aggregate classification (germline): Uncertain significance. Review status: criteria provided, multiple submitters, no conflicts (2 of 4 stars). 4 submissions from 4 submitters: Uncertain significance (4). Last evaluated 2025-05-19.

Conditions:
Classic or attenuated familial adenomatous polyposis. Identifiers: MedGen CN372698, MONDO:0021057.
Familial adenomatous polyposis 1 (FAP1). Also called: FAMILIAL ADENOMATOUS POLYPOSIS 1, ATTENUATED; POLYPOSIS, ADENOMATOUS INTESTINAL. Identifiers: MedGen C2713442, MONDO:0021056, OMIM 175100. Disease mechanism: loss of function.
Hereditary cancer-predisposing syndrome. Also called: Tumor predisposition; Hereditary Cancer Syndrome; Hereditary neoplastic syndrome; Neoplastic Syndromes, Hereditary. Identifiers: Orphanet 140162, MedGen C0027672, MeSH D009386, MONDO:0015356.

Submissions (4):

Labcorp Genetics (formerly Invitae), Labcorp
Classification: Uncertain significance for Familial adenomatous polyposis 1. Last evaluated: 2025-05-19. Review status: criteria provided, single submitter. Criteria: Invitae Variant Classification Sherloc (09022015). Collection method: clinical testing. Allele origin: germline.
Comment: This sequence change replaces glutamine, which is neutral and polar, with histidine, which is basic and polar, at codon 1911 of the APC protein (p.Gln1911His). This variant is not present in population databases (gnomAD no frequency). This variant has not been reported in the literature in individuals affected with APC-related conditions. ClinVar contains an entry for this variant (Variation ID: 537426). Invitae Evidence Modeling of protein sequence and biophysical properties (such as structural, functional, and spatial information, amino acid conservation, physicochemical variation, residue mobility, and thermodynamic stability) indicates that this missense variant is not expected to disrupt APC protein function with a negative predictive value of 95%. In summary, the available evidence is currently insufficient to determine the role of this variant in disease. Therefore, it has been classified as a Variant of Uncertain Significance.

Color Diagnostics, LLC DBA Color Health
Classification: Uncertain significance for Hereditary cancer-predisposing syndrome. Last evaluated: 2024-03-06. Review status: criteria provided, single submitter. Criteria: ACMG Guidelines, 2015. Collection method: clinical testing. Allele origin: germline.
Comment: This missense variant replaces glutamine with histidine at codon 1911 of the APC protein. Computational prediction suggests that this variant may not impact protein structure and function (internally defined REVEL score threshold <= 0.5, PMID: 27666373). To our knowledge, functional studies have not been reported for this variant. This variant has not been reported in individuals affected with hereditary cancer in the literature. This variant has not been identified in the general population by the Genome Aggregation Database (gnomAD). The available evidence is insufficient to determine the role of this variant in disease conclusively. Therefore, this variant is classified as a Variant of Uncertain Significance.

All of Us Research Program, National Institutes of Health
Classification: Uncertain significance for Classic or attenuated familial adenomatous polyposis. Last evaluated: 2023-04-15. Review status: criteria provided, single submitter. Criteria: ACMG Guidelines, 2015. Collection method: clinical testing. Allele origin: germline. Inheritance: Autosomal dominant inheritance. Observed: 1 variant allele, 1 heterozygote.
Comment: This missense variant replaces glutamine with histidine at codon 1911 of the APC protein. Computational prediction suggests that this variant may not impact protein structure and function (internally defined REVEL score threshold <= 0.5, PMID: 27666373). To our knowledge, functional studies have not been reported for this variant. This variant has not been reported in individuals affected with hereditary cancer in the literature. This variant has not been identified in the general population by the Genome Aggregation Database (gnomAD). The available evidence is insufficient to determine the role of this variant in disease conclusively. Therefore, this variant is classified as a Variant of Uncertain Significance.

This study involves interpretation of variants in research participants for the purpose of population health screening. Participant phenotype was not available at the time of variant classification. Additional details can be found in publication PMID: 35346344, PMCID: PMC8962531

Ambry Genetics
Classification: Uncertain significance for Hereditary cancer-predisposing syndrome. Last evaluated: 2023-03-31. Review status: criteria provided, single submitter. Criteria: Ambry Variant Classification Scheme 2023. Collection method: clinical testing. Allele origin: germline.
Comment: The p.Q1911H variant (also known as c.5733A>C), located in coding exon 15 of the APC gene, results from an A to C substitution at nucleotide position 5733. The glutamine at codon 1911 is replaced by histidine, an amino acid with highly similar properties. This amino acid position is not well conserved in available vertebrate species. In addition, in silico predictors for this gene do not accurately predict pathogenicity. Since supporting evidence is limited at this time, the clinical significance of this alteration remains unclear.